The following is an entry in ClinVar:

ClinVar aggregate classification (germline): Conflicting classifications of pathogenicity. Review status: criteria provided, conflicting classifications (1 of 4 stars). 7 submissions from 7 submitters: Uncertain significance (6); Likely benign (1). Last evaluated 2025-12-09.

Conditions:
Hereditary cancer-predisposing syndrome. Also called: Neoplastic Syndromes, Hereditary; Tumor predisposition; Hereditary Cancer Syndrome; Hereditary neoplastic syndrome. Identifiers: Orphanet 140162, MedGen C0027672, MeSH D009386, MONDO:0015356.
Familial adenomatous polyposis 1 (FAP1). Also called: FAMILIAL ADENOMATOUS POLYPOSIS 1, ATTENUATED; POLYPOSIS, ADENOMATOUS INTESTINAL. Identifiers: MedGen C2713442, MONDO:0021056, OMIM 175100. Disease mechanism: loss of function.
Classic or attenuated familial adenomatous polyposis. Identifiers: MedGen CN372698, MONDO:0021057.

gnomAD v4.1: 2 of 1,613,876 alleles (0.00012%); highest among the groups gnomAD compares: Non-Finnish European, 0.00017%; no homozygotes.

Submissions (7):

Labcorp Genetics (formerly Invitae), Labcorp
Classification: Likely benign for Familial adenomatous polyposis 1. Last evaluated: 2025-12-09. Review status: criteria provided, single submitter. Criteria: Invitae Variant Classification Sherloc (09022015). Collection method: clinical testing. Allele origin: germline.

All of Us Research Program, National Institutes of Health
Classification: Uncertain significance for Classic or attenuated familial adenomatous polyposis. Last evaluated: 2024-09-23. Review status: criteria provided, single submitter. Criteria: ACMG Guidelines, 2015. Collection method: clinical testing. Allele origin: germline. Inheritance: Autosomal dominant inheritance. Observed: 3 variant alleles, 3 heterozygotes.
Comment: This missense variant replaces serine with glycine at codon 2352 of the APC protein. Computational prediction suggests that this variant may not impact protein structure and function (internally defined REVEL score threshold <= 0.5, PMID: 27666373). To our knowledge, functional studies have not been reported for this variant. This variant has not been reported in individuals affected with APC-related disorders in the literature. This variant has been identified in 1/249652 chromosomes in the general population by the Genome Aggregation Database (gnomAD). The available evidence is insufficient to determine the role of this variant in disease conclusively. Therefore, this variant is classified as a Variant of Uncertain Significance.

This study involves interpretation of variants in research participants for the purpose of population health screening. Participant phenotype was not available at the time of variant classification. Additional details can be found in publication PMID: 35346344, PMCID: PMC8962531

Baylor Genetics
Classification: Uncertain significance for Familial adenomatous polyposis 1. Last evaluated: 2024-03-20. Review status: criteria provided, single submitter. Criteria: ACMG Guidelines, 2015. Collection method: clinical testing. Allele origin: unknown.

Ambry Genetics
Classification: Uncertain significance for Hereditary cancer-predisposing syndrome. Last evaluated: 2024-03-06. Review status: criteria provided, single submitter. Criteria: Ambry Variant Classification Scheme 2023. Collection method: clinical testing. Allele origin: germline.
Comment: The p.S2352G variant (also known as c.7054A>G), located in coding exon 15 of the APC gene, results from an A to G substitution at nucleotide position 7054. The serine at codon 2352 is replaced by glycine, an amino acid with similar properties. This amino acid position is highly conserved in available vertebrate species. In addition, in silico predictors for this gene do not accurately predict pathogenicity. Since supporting evidence is limited at this time, the clinical significance of this alteration remains unclear.

GeneDx
Classification: Uncertain significance. Last evaluated: 2024-01-08. Review status: criteria provided, single submitter. Criteria: GeneDx Variant Classification Process June 2021. Collection method: clinical testing. Allele origin: germline. Affected: yes.
Comment: Not observed at significant frequency in large population cohorts (gnomAD); In silico analysis supports that this missense variant does not alter protein structure/function; Has not been previously published as pathogenic or benign to our knowledge

Color Diagnostics, LLC DBA Color Health
Classification: Uncertain significance for Hereditary cancer-predisposing syndrome. Last evaluated: 2023-03-23. Review status: criteria provided, single submitter. Criteria: ACMG Guidelines, 2015. Collection method: clinical testing. Allele origin: germline.
Comment: This missense variant replaces serine with glycine at codon 2352 of the APC protein. Computational prediction suggests that this variant may not impact protein structure and function (internally defined REVEL score threshold <= 0.5, PMID: 27666373). To our knowledge, functional studies have not been reported for this variant. This variant has not been reported in individuals affected with APC-related disorders in the literature. This variant has been identified in 1/249652 chromosomes in the general population by the Genome Aggregation Database (gnomAD). The available evidence is insufficient to determine the role of this variant in disease conclusively. Therefore, this variant is classified as a Variant of Uncertain Significance.

Sema4
Classification: Uncertain significance for Hereditary cancer-predisposing syndrome. Last evaluated: 2022-02-22. Review status: criteria provided, single submitter. Criteria: Sema4 Curation Guidelines. Collection method: curation. Allele origin: germline.
Comment: The APC c.7054A>G (p.S2352G) variant has not been reported in the literature to our knowledge. It was observed in 1/112298 chromosomes in the Non-Finnish European population according to the Genome Aggregation Database (PMID: 32461654). This variant has been reported in ClinVar (Variation ID: 482353). Functional studies have not been performed, and in silico predictions of the variant's effect on protein function are inconclusive. The evidence is insufficient to meet ACMG/AMP criteria for classifying the variant as benign or pathogenic. Thus, the clinical significance of this variant is currently uncertain.

NM_000038.6(APC):c.7054A>G (p.Ser2352Gly)

Gene: APC (APC regulator of Wnt signaling pathway; plus strand). Cytogenetic location: 5q22.2.
Variant type: single nucleotide variant.
Coding change: c.7054A>G on transcript NM_000038.6 (MANE Select); coding-DNA position 7054, A replaced by G.
Protein change: p.Ser2352Gly; replaces serine 2352 with glycine.
Molecular consequence: missense variant.
Genome position (GRCh38, 1-based): chr5:112,842,648, A>G. VCF-style: chr5-112842648-A-G. GRCh37 (hg19) VCF-style: chr5-112178345-A-G.
Other names: c.7054A>G, p.Ser2352Gly (NM_001127510.3, NM_001354895.2); c.7000A>G, p.Ser2334Gly (NM_001127511.3); c.7108A>G, p.Ser2370Gly (NM_001354896.2); c.7084A>G, p.Ser2362Gly (NM_001354897.2); c.6979A>G, p.Ser2327Gly (NM_001354898.2); c.6970A>G, p.Ser2324Gly (NM_001354899.2); c.6931A>G, p.Ser2311Gly (NM_001354900.2); c.6877A>G, p.Ser2293Gly (NM_001354901.2); and 5 more; short protein forms S2334G, S2352G, S2069G, S2226G, S2251G, S2293G, S2192G, S2261G.
Identifiers: ClinVar variation 482353 (VCV000482353.25), dbSNP rs764311778, ClinGen allele CA16036702.
Genomic context (GRCh38, chr5:112,842,648, plus strand): 5'-GGTAGAAATGGAATAAGTCCTCCTAACAAATTATCTCAACTTCCAAGGACATCATCCCCT[A>G]GTACTGCTTCAACTAAGTCCTCAGGTTCTGGAAAAATGTCATATACATCTCCAGGTAGAC-3'
Protein context (NP_000029.2, residues 2342-2362): LSQLPRTSSP[Ser2352Gly]TASTKSSGSG